The following is an entry in ClinVar:

NC_000023.10:g.(?_31241154)_(31525580_?)dup

Gene: DMD (dystrophin; minus strand). Cytogenetic location: Xp21.2-21.1.
Variant type: Duplication.
Identifiers: ClinVar variation 1511481 (VCV001511481.1).

ClinVar aggregate classification (germline): Likely pathogenic (1 of 4 stars; one submission).

Conditions:
Duchenne muscular dystrophy (DMD). Also called: Duchenne Muscular Dystrophy (DMD); MUSCULAR DYSTROPHY, PSEUDOHYPERTROPHIC PROGRESSIVE, DUCHENNE TYPE. Identifiers: Orphanet 98896, MedGen C0013264, MONDO:0010679, OMIM 310200.

Submission:

Labcorp Genetics (formerly Invitae), Labcorp
Classification: Likely pathogenic for Duchenne muscular dystrophy. Last evaluated: 2021-01-20. Review status: criteria provided, single submitter. Criteria: Invitae Variant Classification Sherloc (09022015). Collection method: clinical testing. Allele origin: germline.
Comment: This variant results in a copy number gain of the genomic region encompassing exon(s) 56-64 of the DMD gene. While the exact position of this variant cannot be determined from the data, sub-genic copy number gains are generally in tandem (PMID: 25640679). This variant is predicted to be out-of-frame, and may result in an absent or disrupted protein product. Loss-of-function variants in DMD are known to be pathogenic (PMID: 16770791, 25007885). This variant has been observed in individual(s) with Duchenne or Becker muscular dystrophy (PMID: 17561468). In summary, the currently available evidence indicates that the variant is pathogenic, but additional data are needed to prove that conclusively. Therefore, this variant has been classified as Likely Pathogenic.

Literature cited by the submitters: PubMed 25640679; PubMed 16770791; PubMed 25007885; PubMed 17561468.